The following is an entry in ClinVar:

NM_000219.6(KCNE1):c.146T>C (p.Met49Thr)

Gene: KCNE1 (potassium voltage-gated channel subfamily E regulatory subunit 1; minus strand). Cytogenetic location: 21q22.12.
Variant type: single nucleotide variant.
Coding change: c.146T>C on transcript NM_000219.6 (MANE Select); coding-DNA position 146, T replaced by C.
Protein change: p.Met49Thr; replaces methionine 49 with threonine.
Molecular consequence: missense variant.
Genome position (GRCh38, 1-based): chr21:34,449,489, A>G on the plus strand (T>C on the coding strand, the complement: KCNE1 is on the minus strand). VCF-style: chr21-34449489-A-G. GRCh37 (hg19) VCF-style: chr21-35821787-A-G.
Other names: c.146T>C, p.Met49Thr (NM_001127668.4, NM_001127669.4, NM_001127670.4 and 4 more transcripts); short protein forms M49T.
Identifiers: ClinVar variation 2159806 (VCV002159806.6), dbSNP rs2516764188, ClinGen allele CA410198392.
Genomic context (GRCh38, chr21:34,449,489, plus strand): 5'-TTGGAGCGGATGTAGCTCAGCATGATGCCCAGGGTGAAGAAGCCGAAGAATCCCAGTACC[A>G]TGAGGACGTAGAGGGCCTCCAGCTTGCCGTCACTGCTGCGGGGGGACCTGCGGGCCAGGC-3'
Protein context (NP_000210.2, residues 39-59): DGKLEALYVL[Met49Thr]VLGFFGFFTL

ClinVar aggregate classification (germline): Uncertain significance (1 of 4 stars; one submission).

Conditions:
Long QT syndrome (LQTS). Identifiers: MedGen C0023976, MeSH D008133, MONDO:0002442. Disease mechanism: loss of function. Inheritance: Various modes of inheritance.

Submissions (2):

Labcorp Genetics (formerly Invitae), Labcorp
Classification: Uncertain significance for Long QT syndrome. Last evaluated: 2025-05-18. Review status: criteria provided, single submitter. Criteria: Invitae Variant Classification Sherloc (09022015). Collection method: clinical testing. Allele origin: germline.
Comment: This sequence change replaces methionine, which is neutral and non-polar, with threonine, which is neutral and polar, at codon 49 of the KCNE1 protein (p.Met49Thr). This variant is not present in population databases (gnomAD no frequency). This variant has not been reported in the literature in individuals affected with KCNE1-related conditions. ClinVar contains an entry for this variant (Variation ID: 2159806). Invitae Evidence Modeling of protein sequence and biophysical properties (such as structural, functional, and spatial information, amino acid conservation, physicochemical variation, residue mobility, and thermodynamic stability) has been performed for this missense variant. However, the output from this modeling did not meet the statistical confidence thresholds required to predict the impact of this variant on KCNE1 protein function. In summary, the available evidence is currently insufficient to determine the role of this variant in disease. Therefore, it has been classified as a Variant of Uncertain Significance.

Roden Lab, Vanderbilt University Medical Center
No classification provided (evidence only). Condition: Long QT syndrome 5. Review status: no classification provided. Collection method: in vitro. Allele origin: not applicable. Functional consequence: Effect on ion channel function. Not counted in ClinVar's aggregate classification.
ClinVar note: "not provided" was previously submitted as the classification for the variant. However, the classification appeared to be based only on an observation of functional data so it was converted to no classification on 2025-07-30.